The following is an entry in ClinVar:

ClinVar aggregate classification (germline): Uncertain significance (1 of 4 stars; one submission).

Conditions:
Amyotrophic lateral sclerosis type 1 (ALS1). Also called: AMYOTROPHIC LATERAL SCLEROSIS 1, FAMILIAL. Identifiers: Orphanet 803, MedGen C1862939, MONDO:0007103, OMIM 105400.
Neuronopathy, distal hereditary motor, type 7B. Also called: Distal Hereditary Motor Neuronopathy Type 7B (dHMN7B); HMN VIIB; LOWER MOTOR NEURON DISEASE, DYNACTIN TYPE; NEURONOPATHY, DISTAL HEREDITARY MOTOR, AUTOSOMAL DOMINANT 14; NEURONOPATHY, DISTAL HEREDITARY MOTOR, HARDING TYPE VIIB; NEUROPATHY, DISTAL HEREDITARY MOTOR, HARDING TYPE VIIB. Identifiers: Orphanet 139589, MedGen C1843315, MONDO:0011879, OMIM 607641.
Perry syndrome. Also called: PARKINSONISM WITH ALVEOLAR HYPOVENTILATION AND MENTAL DEPRESSION. Identifiers: Orphanet 178509, MedGen C1868594, MONDO:0008201, OMIM 168605.

Allele frequency attached by ClinVar (database versions not stated): gnomAD exomes 0.00001.

Submission:

Labcorp Genetics (formerly Invitae), Labcorp
Classification: Uncertain significance for Amyotrophic lateral sclerosis type 1; Neuronopathy, distal hereditary motor, type 7B; Perry syndrome. Last evaluated: 2024-08-28. Review status: criteria provided, single submitter. Criteria: Invitae Variant Classification Sherloc (09022015). Collection method: clinical testing. Allele origin: germline.
Comment: This sequence change affects a donor splice site in intron 14 of the DCTN1 gene. It is expected to disrupt RNA splicing. Variants that disrupt the donor or acceptor splice site typically lead to a loss of protein function (PMID: 16199547), however the current clinical and genetic evidence is not sufficient to establish whether loss-of-function variants in DCTN1 cause disease. This variant is not present in population databases (gnomAD no frequency). This variant has not been reported in the literature in individuals affected with DCTN1-related conditions. ClinVar contains an entry for this variant (Variation ID: 2196216). Algorithms developed to predict the effect of sequence changes on RNA splicing suggest that this variant may disrupt the consensus splice site. In summary, the available evidence is currently insufficient to determine the role of this variant in disease. Therefore, it has been classified as a Variant of Uncertain Significance.

Literature cited by the submitters: PubMed 16199547.

NM_004082.5(DCTN1):c.1584+2T>C

Gene: DCTN1 (dynactin subunit 1; minus strand). Cytogenetic location: 2p13.1.
Variant type: single nucleotide variant.
Coding change: c.1584+2T>C on transcript NM_004082.5 (MANE Select); the canonical splice donor site of the intron after coding-DNA position 1584, T replaced by C.
Molecular consequence: splice donor variant.
Genome position (GRCh38, 1-based): chr2:74,369,298, A>G on the plus strand (T>C on the coding strand, the complement: DCTN1 is on the minus strand). VCF-style: chr2-74369298-A-G. GRCh37 (hg19) VCF-style: chr2-74596425-A-G.
Other names: c.1473+2T>C (NM_001190836.2); c.1515+2T>C (NM_001378992.1); c.1533+2T>C (NM_001378991.1); c.1524+2T>C (NM_001135040.3); c.1563+2T>C (NM_001190837.2); c.1182+2T>C (NM_001135041.3, NM_023019.4).
Identifiers: ClinVar variation 2196216 (VCV002196216.4), dbSNP rs2529144795, ClinGen allele CA347357439.
Genomic context (GRCh38, chr2:74,369,298, plus strand): 5'-CAGCTGGGTCATAAGGAAGCCCTGGGGTGATGGTGGGCAGAGAGCAAACAGTGGGCATGT[A>G]CCTGTAGATGGGCGGTCAGCTGGCGGTACTTCTTGATGGTCTGCTGGTAGTCTGCAACCG-3'